The following is an entry in ClinVar:

ClinVar aggregate classification (germline): Pathogenic (1 of 4 stars; one submission).

Conditions:
Joubert syndrome 3 (JBTS3). Also called: AHI1-related Ciliopathy. Identifiers: Orphanet 220493, MedGen C1837713, MONDO:0012078, OMIM 608629.

Submission:

Myriad Genetics, Inc.
Classification: Pathogenic for Joubert syndrome 3. Last evaluated: 2026-07-16. Review status: criteria provided, single submitter. Criteria: Myriad Autosomal Dominant, Autosomal Recessive and X-Linked Classification Criteria (2023). Collection method: clinical testing. Allele origin: unknown.
Comment: NM_001134831.1(AHI1):c.1988C>A(S663*) is expected to be pathogenic in the context of Joubert syndrome, AHI1-related. This variant is predicted to lead to an abnormal or absent protein product due to the creation of a premature termination codon in AHI1, a gene where loss-of-function variants are known to be pathogenic. Please note: this variant was assessed in the context of healthy population screening.

NM_001134831.2(AHI1):c.1988C>A (p.Ser663Ter)

Gene: AHI1 (Abelson helper integration site 1; minus strand). Cytogenetic location: 6q23.3.
Variant type: single nucleotide variant.
Coding change: c.1988C>A on transcript NM_001134831.2 (MANE Select); coding-DNA position 1988, C replaced by A.
Protein change: p.Ser663Ter; replaces serine 663 with a stop codon.
Molecular consequence: nonsense.
Genome position (GRCh38, 1-based): chr6:135,438,423, G>T on the plus strand (C>A on the coding strand, the complement: AHI1 is on the minus strand). VCF-style: chr6-135438423-G-T. GRCh37 (hg19) VCF-style: chr6-135759561-G-T.
Other names: c.1988C>A, p.Ser663Ter (NM_001134830.2, NM_001134832.2, NM_001350503.2 and 2 more transcripts); short protein forms S663*.
Identifiers: ClinVar variation 5016134 (VCV005016134.1).